The following is an entry in ClinVar:

NM_001103.4(ACTN2):c.361+2del

Gene: ACTN2 (actinin alpha 2; plus strand). Cytogenetic location: 1q43.
Variant type: Deletion.
Coding change: c.361+2del on transcript NM_001103.4 (MANE Select); the canonical splice donor site of the intron after coding-DNA position 361, one base deleted (T; older notation c.361+2delT).
Molecular consequence: splice donor variant.
Genome position (GRCh38, 1-based): chr1:236,719,015, T deleted. VCF-style (leftmost placement, unchanged base first): chr1-236719014-GT-G. GRCh37 (hg19) VCF-style: chr1-236882314-GT-G.
Other names: c.361+2del (NM_001278343.2).
Identifiers: ClinVar variation 3061313 (VCV003061313.2), dbSNP rs2527538650, ClinGen allele CA2740092632.

ClinVar aggregate classification (germline): Uncertain significance (0 of 4 stars; one submission).

Conditions:
ACTN2-related disorder. Also called: ACTN2-related disorders; ACTN2 related condition.

Submission:

PreventionGenetics, part of Exact Sciences
Classification: Uncertain significance for ACTN2-related condition. Last evaluated: 2024-02-01. Review status: no assertion criteria provided. Collection method: clinical testing. Allele origin: germline.
Comment: The ACTN2 c.361+2delT variant is predicted to result in a deletion affecting a canonical splice site. To our knowledge, this variant has not been reported in the literature or in a large population database, indicating this variant is rare. Few splice variants have been reported in ACTN2 to date and currently the significance of loss-of-function variants remains uncertain. At this time, the clinical significance of this variant is uncertain due to the absence of conclusive functional and genetic evidence.